The following is an entry in ClinVar:

ClinVar aggregate classification (germline): Conflicting classifications of pathogenicity. Review status: criteria provided, conflicting classifications (1 of 4 stars). 6 submissions from 6 submitters: Pathogenic (3); Likely pathogenic (1); Uncertain significance (1). 1 of the submissions does not count toward it. Last evaluated 2026-09-01.

Conditions:
Inborn genetic diseases. Identifiers: MedGen C0950123, MeSH D030342.
Early-infantile DEE. Also called: Early infantile epileptic encephalopathy; Ohtahara syndrome; Early infantile epileptic encephalopathy with suppression bursts. Identifiers: Orphanet 1934, MedGen C0393706, MONDO:0800491.
Neuronopathy, distal hereditary motor, autosomal dominant 11. Also called: NEUROPATHY, DISTAL HEREDITARY MOTOR, 11. Identifiers: MedGen C5882697, MONDO:0957875, OMIM 620528.

Submissions (6):

CeGaT Center for Human Genetics Tuebingen
Classification: Pathogenic. Last evaluated: 2026-09-01. Review status: criteria provided, single submitter. Criteria: CeGaT Center For Human Genetics Tuebingen Variant Classification Criteria Version 2. Collection method: clinical testing. Allele origin: germline. Affected: yes. Observed: 1 variant allele.
Comment: SPTAN1: PVS1, PM2, PS2:Moderate

GeneDx
Classification: Pathogenic. Last evaluated: 2026-06-04. Review status: criteria provided, single submitter. Criteria: GeneDx Variant Classification Process June 2021. Collection method: clinical testing. Allele origin: germline.
Comment: Nonsense variant predicted to result in protein truncation or nonsense mediated decay in a gene for which loss of function is a known mechanism of disease; Not observed at significant frequency in large population cohorts (gnomAD); This variant is associated with the following publications: (PMID: 33578420, 33574475)

Labcorp Genetics (formerly Invitae), Labcorp
Classification: Pathogenic for Early-infantile DEE. Last evaluated: 2022-06-18. Review status: criteria provided, single submitter. Criteria: Invitae Variant Classification Sherloc (09022015). Collection method: clinical testing. Allele origin: germline.
Comment: This sequence change creates a premature translational stop signal (p.Arg2261*) in the SPTAN1 gene. It is expected to result in an absent or disrupted protein product. Loss-of-function variants in SPTAN1 are known to be pathogenic (PMID: 31332438, 33206935). This variant is not present in population databases (gnomAD no frequency). This premature translational stop signal has been observed in individual(s) with distal hereditary motor neuropathy (PMID: 33578420). ClinVar contains an entry for this variant (Variation ID: 1275817). For these reasons, this variant has been classified as Pathogenic.

Institute of Medical Genetics and Applied Genomics, University Hospital Tübingen
Classification: Likely pathogenic. Last evaluated: 2021-09-15. Review status: criteria provided, single submitter. Criteria: ACMG Guidelines, 2015. Collection method: clinical testing. Allele origin: germline. Inheritance: Autosomal dominant inheritance. Affected: yes.

Ambry Genetics
Classification: Uncertain significance for Inborn genetic diseases. Last evaluated: 2021-01-29. Review status: criteria provided, single submitter. Criteria: Ambry Variant Classification Scheme 2023. Collection method: clinical testing. Allele origin: germline.
Comment: Loss-of-function of SPTAN1 has not been established as a mechanism of disease. Based on insufficient or conflicting evidence, the clinical significance of this alteration remains unclear.

OMIM
Classification: Pathogenic for NEURONOPATHY, DISTAL HEREDITARY MOTOR, AUTOSOMAL DOMINANT 11. Last evaluated: 2023-10-17. Review status: no assertion criteria provided. Collection method: literature only. Allele origin: germline. Not counted in ClinVar's aggregate classification.

Literature cited by the submitters: PubMed 31332438 (cited by Labcorp Genetics (formerly Invitae), Labcorp); PubMed 33206935 (cited by Labcorp Genetics (formerly Invitae), Labcorp); PubMed 33578420 (cited by Labcorp Genetics (formerly Invitae), Labcorp and OMIM).

NM_001130438.3(SPTAN1):c.6781C>T (p.Arg2261Ter)

Gene: SPTAN1 (spectrin alpha, non-erythrocytic 1; plus strand). Cytogenetic location: 9q34.11.
Variant type: single nucleotide variant.
Coding change: c.6781C>T on transcript NM_001130438.3 (MANE Select); coding-DNA position 6781, C replaced by T.
Protein change: p.Arg2261Ter; replaces arginine 2261 with a stop codon.
Molecular consequence: nonsense.
Genome position (GRCh38, 1-based): chr9:128,632,145, C>T. VCF-style: chr9-128632145-C-T. GRCh37 (hg19) VCF-style: chr9-131394424-C-T.
Other names: c.6766C>T, p.Arg2256Ter (NM_003127.4); c.6706C>T, p.Arg2236Ter (NM_001195532.2); c.6844C>T, p.Arg2282Ter (NM_001363759.2); c.6721C>T, p.Arg2241Ter (NM_001363765.2, NM_001375314.2); c.6868C>T, p.Arg2290Ter (NM_001375310.1); c.6781C>T, p.Arg2261Ter (NM_001375311.2); c.6817C>T, p.Arg2273Ter (NM_001375312.2); c.6763C>T, p.Arg2255Ter (NM_001375313.1); and 1 more; short protein forms R2236*, R2241*, R2255*, R2256*, R2261*, R2273*, R2282*, R2290*.
Identifiers: ClinVar variation 1275817 (VCV001275817.13), dbSNP rs1859856446, ClinGen allele CA375097280.